The following is an entry in ClinVar:

ClinVar aggregate classification (germline): Uncertain significance (1 of 4 stars; one submission).

Conditions:
Pyridoxine-dependent epilepsy (EPEO4). Also called: Pyridoxine-Dependent Seizures; Pyridoxine-Dependent Epilepsy - ALDH7A1; PYRIDOXINE DEPENDENCY WITH SEIZURES; EPILEPSY, EARLY-ONSET, 4, VITAMIN B6-DEPENDENT. Identifiers: Orphanet 3006, MedGen C1849508, MONDO:0009945, OMIM 266100. Disease mechanism: loss of function.

Submission:

Labcorp Genetics (formerly Invitae), Labcorp
Classification: Uncertain significance for Pyridoxine-dependent epilepsy. Last evaluated: 2025-01-06. Review status: criteria provided, single submitter. Criteria: Invitae Variant Classification Sherloc (09022015). Collection method: clinical testing. Allele origin: germline.
Comment: This sequence change replaces proline, which is neutral and non-polar, with serine, which is neutral and polar, at codon 170 of the ALDH7A1 protein (p.Pro170Ser). This variant is not present in population databases (gnomAD no frequency). This variant has not been reported in the literature in individuals affected with ALDH7A1-related conditions. ClinVar contains an entry for this variant (Variation ID: 2123582). Invitae Evidence Modeling of protein sequence and biophysical properties (such as structural, functional, and spatial information, amino acid conservation, physicochemical variation, residue mobility, and thermodynamic stability) indicates that this missense variant is expected to disrupt ALDH7A1 protein function with a positive predictive value of 95%. In summary, the available evidence is currently insufficient to determine the role of this variant in disease. Therefore, it has been classified as a Variant of Uncertain Significance.

NM_001182.5(ALDH7A1):c.508C>T (p.Pro170Ser)

Gene: ALDH7A1 (aldehyde dehydrogenase 7 family member A1; minus strand). Cytogenetic location: 5q23.2.
Variant type: single nucleotide variant.
Coding change: c.508C>T on transcript NM_001182.5 (MANE Select); coding-DNA position 508, C replaced by T.
Protein change: p.Pro170Ser; replaces proline 170 with serine.
Molecular consequence: missense variant.
Genome position (GRCh38, 1-based): chr5:126,582,860, G>A on the plus strand (C>T on the coding strand, the complement: ALDH7A1 is on the minus strand). VCF-style: chr5-126582860-G-A. GRCh37 (hg19) VCF-style: chr5-125918552-G-A.
Other names: c.424C>T, p.Pro142Ser (NM_001201377.2); c.508C>T, p.Pro170Ser (NM_001202404.2); short protein forms P142S, P170S.
Identifiers: ClinVar variation 2123582 (VCV002123582.4), dbSNP rs2480337906, ClinGen allele CA360731668.